The following is an entry in ClinVar:

NM_000458.4(HNF1B):c.529C>T (p.Arg177Ter)

Gene: HNF1B (HNF1 homeobox B; minus strand). Cytogenetic location: 17q12.
Variant type: single nucleotide variant.
Coding change: c.529C>T on transcript NM_000458.4 (MANE Select); coding-DNA position 529, C replaced by T.
Protein change: p.Arg177Ter; replaces arginine 177 with a stop codon.
Molecular consequence: nonsense.
Genome position (GRCh38, 1-based): chr17:37,739,455, G>A on the plus strand (C>T on the coding strand, the complement: HNF1B is on the minus strand). VCF-style: chr17-37739455-G-A. GRCh37 (hg19) VCF-style: chr17-36099446-G-A.
Other names: c.529C>T, p.Arg177Ter (NM_001165923.4, NM_001304286.2); c.529C>T (NM_000458.2); short protein forms R177*.
Identifiers: ClinVar variation 12635 (VCV000012635.22), dbSNP rs1800575, ClinGen allele CA122597.

ClinVar aggregate classification (germline): Pathogenic. Review status: criteria provided, multiple submitters, no conflicts (2 of 4 stars). 8 submissions from 8 submitters: Pathogenic (7). 1 of the submissions does not count toward it. Last evaluated 2025-03-07.

Conditions:
Type 2 diabetes mellitus. Also called: Type II diabetes mellitus. Identifiers: MedGen C0011860, MeSH D003924, MONDO:0005148, OMIM 125853, HP:0005978.
Renal cysts and diabetes syndrome (RCAD). Also called: Familial hypoplastic, glomerulocystic kidney; MATURITY-ONSET DIABETES OF THE YOUNG, TYPE 5. Identifiers: Orphanet 93111, MedGen C0431693, MONDO:0007669, OMIM 137920.
Nonpapillary renal cell carcinoma. Identifiers: Orphanet 422526, MedGen CN074294, MONDO:0007763, OMIM 144700.

Submissions (8):

Victorian Clinical Genetics Services, Murdoch Childrens Research Institute
Classification: Pathogenic for Renal cysts and diabetes syndrome. Last evaluated: 2025-03-07. Review status: criteria provided, single submitter. Criteria: ACMG Guidelines, 2015. Collection method: clinical testing. Allele origin: germline. Affected: yes.
Comment: This variant is classified as Pathogenic. Evidence in support of pathogenic classification: Variant is predicted to cause nonsense-mediated decay (NMD) and loss of protein (premature termination codon is located at least 54 nucleotides upstream of the final exon-exon junction); Variant is absent from gnomAD (both v2 and v3); This variant has strong previous evidence of pathogenicity in unrelated individuals. It has been reported in at least five individuals with kidney disease, including those with cystic kidneys, and individuals with clinical features of renal cysts and diabetes syndrome (ClinVar, VCGS internal cohort, PMID: 31131422); Other NMD-predicted variants comparable to the one identified in this case have very strong previous evidence for pathogenicity (ClinVar). Additional information: This variant is heterozygous; This gene is associated with autosomal dominant disease; Dominant negative, loss of function, and gain of function are all reported mechanisms of disease in this gene and are associated with type 2 diabetes mellitus (MIM#125853) and renal cysts and diabetes syndrome (MIM#137920; OMIM, PMID: 25536396, 11845238, 15509593); Variants in this gene are known to have variable expressivity. There is significant interfamilial and intrafamilial variability associated with HNF1B-related nephropathy (PMID: 33305128).

Labcorp Genetics (formerly Invitae), Labcorp
Classification: Pathogenic. Last evaluated: 2025-02-17. Review status: criteria provided, single submitter. Criteria: Invitae Variant Classification Sherloc (09022015). Collection method: clinical testing. Allele origin: germline.
Comment: This sequence change creates a premature translational stop signal (p.Arg177*) in the HNF1B gene. It is expected to result in an absent or disrupted protein product. Loss-of-function variants in HNF1B are known to be pathogenic (PMID: 9398836, 12148114, 15068978, 20378641). This variant is not present in population databases (gnomAD no frequency). This premature translational stop signal has been observed in individual(s) with clinical features of renal cysts and diabetes syndrome (PMID: 9398836, 12148114). It has also been observed to segregate with disease in related individuals. ClinVar contains an entry for this variant (Variation ID: 12635). Algorithms developed to predict the effect of sequence changes on RNA splicing suggest that this variant may create or strengthen a splice site. For these reasons, this variant has been classified as Pathogenic.

Institute for Clinical Genetics, University Hospital TU Dresden, University Hospital TU Dresden
Classification: Pathogenic. Last evaluated: 2022-11-02. Review status: criteria provided, single submitter. Criteria: ACMG Guidelines, 2015. Collection method: clinical testing. Allele origin: germline.

GeneDx
Classification: Pathogenic. Last evaluated: 2022-09-23. Review status: criteria provided, single submitter. Criteria: GeneDx Variant Classification Process June 2021. Collection method: clinical testing. Allele origin: germline. Affected: yes.
Comment: Published functional studies demonstrate a damaging effect due to a loss of transactivation activity, as well as a dominant negative effect and altered protein localization specific to certain cell types (Tomura et al., 1999); Nonsense variant predicted to result in protein truncation or nonsense mediated decay in a gene for which loss-of-function is a known mechanism of disease; Not observed in large population cohorts (gnomAD); This variant is associated with the following publications: (PMID: 9398836, 12148114, 31131422, 32939031, 10224045)

Fulgent Genetics
Classification: Pathogenic for Type 2 diabetes mellitus; Renal cysts and diabetes syndrome; Nonpapillary renal cell carcinoma. Last evaluated: 2022-02-23. Review status: criteria provided, single submitter. Criteria: ACMG Guidelines, 2015. Collection method: clinical testing. Allele origin: unknown.

Institute of Human Genetics, FAU Erlangen, Friedrich-Alexander-Universität Erlangen-Nürnberg
Classification: Pathogenic for Renal cysts and diabetes syndrome. Last evaluated: 2019-07-06. Review status: criteria provided, single submitter. Criteria: ACMG Guidelines, 2015. Collection method: literature only. Allele origin: germline. Affected: yes.
Comment: This variant and it's classification has been reported by Vasileiou et al. 2019; DOI:10.1101/576918. The variants has previously been reported in ClinVar:12635; PMID:25700310; PMID:15509593; PMID:9398836; PMID:12148114; PMID:26417411; PMID:25536396 as "NM_000458.3(HNF1B):c.529C>T (p.Arg177Ter); c.529C>T; c.529C>T RI77X; c.529C>T" with clinical significance Pathogenic. It has been re-classified using InterVar and manual curation as Pathogenic based on PVS1 PM2 PP3.

Clinical Genetics Service, Universitary Hospital 12 de Octubre
Classification: Pathogenic for Renal cysts and diabetes syndrome. Review status: criteria provided, single submitter. Criteria: ACMG Guidelines, 2015. Collection method: clinical testing. Allele origin: de novo. Affected: yes.

OMIM
Classification: Pathogenic for RENAL CYSTS AND DIABETES SYNDROME. Last evaluated: 1997-12-01. Review status: no assertion criteria provided. Collection method: literature only. Allele origin: germline. Not counted in ClinVar's aggregate classification.

Literature cited by the submitters: PubMed 31131422 (cited by Victorian Clinical Genetics Services, Murdoch Childrens Research Institute); PubMed 11845238 (cited by Victorian Clinical Genetics Services, Murdoch Childrens Research Institute); PubMed 25536396 (cited by Victorian Clinical Genetics Services, Murdoch Childrens Research Institute and Institute of Human Genetics, FAU Erlangen, Friedrich-Alexander-Universität Erlangen-Nürnberg); PubMed 15509593 (cited by Victorian Clinical Genetics Services, Murdoch Childrens Research Institute and Institute of Human Genetics, FAU Erlangen, Friedrich-Alexander-Universität Erlangen-Nürnberg); PubMed 33305128 (cited by Victorian Clinical Genetics Services, Murdoch Childrens Research Institute); PubMed 9398836 (cited by 3 submitters); PubMed 12148114 (cited by Labcorp Genetics (formerly Invitae), Labcorp and Institute of Human Genetics, FAU Erlangen, Friedrich-Alexander-Universität Erlangen-Nürnberg); PubMed 15068978 (cited by Labcorp Genetics (formerly Invitae), Labcorp); PubMed 20378641 (cited by Labcorp Genetics (formerly Invitae), Labcorp); PubMed 25700310 (cited by Institute of Human Genetics, FAU Erlangen, Friedrich-Alexander-Universität Erlangen-Nürnberg); PubMed 26417411 (cited by Institute of Human Genetics, FAU Erlangen, Friedrich-Alexander-Universität Erlangen-Nürnberg); DOI 10.1101/576918 (cited by Institute of Human Genetics, FAU Erlangen, Friedrich-Alexander-Universität Erlangen-Nürnberg).